The following is an entry in ClinVar:

NM_004260.4(RECQL4):c.2659C>T (p.His887Tyr)

Gene: RECQL4 (RecQ like helicase 4; minus strand). Cytogenetic location: 8q24.3.
Variant type: single nucleotide variant.
Coding change: c.2659C>T on transcript NM_004260.4 (MANE Select); coding-DNA position 2659, C replaced by T.
Protein change: p.His887Tyr; replaces histidine 887 with tyrosine.
Molecular consequence: missense variant. On other transcripts: non-coding transcript variant (3).
Genome position (GRCh38, 1-based): chr8:144,512,943, G>A on the plus strand (C>T on the coding strand, the complement: RECQL4 is on the minus strand). VCF-style: chr8-144512943-G-A. GRCh37 (hg19) VCF-style: chr8-145738326-G-A.
Other names: c.2365C>T, p.His789Tyr (NM_001413017.1); c.2461C>T, p.His821Tyr (NM_001413018.1); c.2659C>T, p.His887Tyr (NM_001413019.1, NM_001413036.1); c.2563C>T, p.His855Tyr (NM_001413020.1); c.1588C>T, p.His530Tyr (NM_001413021.1, NM_001413022.1, NM_001413023.1 and 5 more transcripts); c.2530C>T, p.His844Tyr (NM_001413025.1); c.1522C>T, p.His508Tyr (NM_001413027.1, NM_001413030.1, NM_001413032.1 and 1 more transcripts); c.2308C>T, p.His770Tyr (NM_001413029.1); and 6 more; short protein forms H398Y, H530Y, H877Y, H464Y, H520Y, H844Y, H508Y, H843Y.
Identifiers: ClinVar variation 4705962 (VCV004705962.1).

ClinVar aggregate classification (germline): Uncertain significance (1 of 4 stars; one submission).

Conditions:
Baller-Gerold syndrome (BGS). Also called: CRANIOSYNOSTOSIS WITH RADIAL DEFECTS. Identifiers: Orphanet 1225, MedGen C0265308, MONDO:0009039, OMIM 218600.

Submission:

Labcorp Genetics (formerly Invitae), Labcorp
Classification: Uncertain significance for Baller-Gerold syndrome. Last evaluated: 2025-08-06. Review status: criteria provided, single submitter. Criteria: Invitae Variant Classification Sherloc (09022015). Collection method: clinical testing. Allele origin: germline.
Comment: This sequence change replaces histidine, which is basic and polar, with tyrosine, which is neutral and polar, at codon 887 of the RECQL4 protein (p.His887Tyr). This variant is not present in population databases (gnomAD no frequency). This variant has not been reported in the literature in individuals affected with RECQL4-related conditions. Invitae Evidence Modeling of protein sequence and biophysical properties (such as structural, functional, and spatial information, amino acid conservation, physicochemical variation, residue mobility, and thermodynamic stability) indicates that this missense variant is not expected to disrupt RECQL4 protein function with a negative predictive value of 80%. In summary, the available evidence is currently insufficient to determine the role of this variant in disease. Therefore, it has been classified as a Variant of Uncertain Significance.